The following is an entry in ClinVar:

NM_015404.4(WHRN):c.1573_1574del (p.Thr525fs)

Gene: WHRN (whirlin; minus strand). Cytogenetic location: 9q32.
Variant type: Microsatellite.
Coding change: c.1573_1574del on transcript NM_015404.4 (MANE Select); coding-DNA positions 1573 to 1574, 2 bases deleted (AC; older notation c.1573_1574delAC).
Protein change: p.Thr525fs; shifts the reading frame from threonine 525.
Molecular consequence: frameshift variant.
Genome position (GRCh38, 1-based): chr9:114,423,366-114,423,367, GT deleted on the plus strand (AC on the coding strand, the reverse complement: WHRN is on the minus strand); deleting any 2 consecutive bases within chr9:114,423,366-114,423,369 gives the same sequence; the c. name uses the placement nearest the transcript's 3' end. VCF-style (leftmost placement, unchanged base first): chr9-114423365-CGT-C. GRCh37 (hg19) VCF-style: chr9-117185645-CGT-C.
Other names: c.520_521del, p.Thr174fs (NM_001346890.1); c.424_425del, p.Thr142fs (NM_001083885.3); c.1573_1574del, p.Thr525fs (NM_001173425.2); short protein forms T142fs, T174fs, T525fs.
Identifiers: ClinVar variation 1074701 (VCV001074701.9), dbSNP rs2132357300, ClinGen allele CA891862631.

ClinVar aggregate classification (germline): Pathogenic (1 of 4 stars; one submission).

Submission:

Labcorp Genetics (formerly Invitae), Labcorp
Classification: Pathogenic. Last evaluated: 2022-06-20. Review status: criteria provided, single submitter. Criteria: Invitae Variant Classification Sherloc (09022015). Collection method: clinical testing. Allele origin: germline.
Comment: This variant is not present in population databases (gnomAD no frequency). This premature translational stop signal has been observed in individual(s) with clinical features of WHRN-related conditions (PMID: 27344577). For these reasons, this variant has been classified as Pathogenic. This sequence change creates a premature translational stop signal (p.Thr525Glyfs*43) in the WHRN gene. It is expected to result in an absent or disrupted protein product. Loss-of-function variants in WHRN are known to be pathogenic (PMID: 12833159, 15841483, 22147658).

Literature cited by the submitters: PubMed 27344577; PubMed 12833159; PubMed 15841483; PubMed 22147658.